The following is an entry in ClinVar:

NC_000008.10:g.(?_6264189)_(6289127_?)del

Gene: MCPH1 (microcephalin 1; plus strand). Cytogenetic location: 8p23.1.
Variant type: Deletion.
Identifiers: ClinVar variation 3245599 (VCV003245599.1).

ClinVar aggregate classification (germline): Pathogenic (1 of 4 stars; one submission).

Submission:

Labcorp Genetics (formerly Invitae), Labcorp
Classification: Pathogenic. Last evaluated: 2023-09-03. Review status: criteria provided, single submitter. Criteria: Invitae Variant Classification Sherloc (09022015). Collection method: clinical testing. Allele origin: unknown.
Comment: This variant is a gross deletion of the genomic region encompassing exon(s) 1-4 of the MCPH1 gene, which includes the initiator codon. This deletion extends beyond the assayed region for this gene and therefore may encompass additional genes. It is expected to result in an absent or disrupted protein product. Loss-of-function variants in MCPH1 are known to be pathogenic (PMID: 20978018). This variant has not been reported in the literature in individuals affected with MCPH1-related conditions. For these reasons, this variant has been classified as Pathogenic.

Literature cited by the submitters: PubMed 20978018.